The following is an entry in ClinVar:

ClinVar aggregate classification (germline): Uncertain significance. Review status: criteria provided, multiple submitters, no conflicts (2 of 4 stars). 2 submissions from 2 submitters: Uncertain significance (2). Last evaluated 2025-06-04.

Allele frequency attached by ClinVar (database versions not stated): gnomAD exomes below 0.00001 and 0.00001; gnomAD 0.00001.

Submissions (2):

Labcorp Genetics (formerly Invitae), Labcorp
Classification: Uncertain significance. Last evaluated: 2025-06-04. Review status: criteria provided, single submitter. Criteria: Invitae Variant Classification Sherloc (09022015). Collection method: clinical testing. Allele origin: germline.
Comment: This sequence change replaces threonine, which is neutral and polar, with serine, which is neutral and polar, at codon 125 of the KLF10 protein (p.Thr125Ser). This variant is present in population databases (no rsID available, gnomAD no frequency). This variant has not been reported in the literature in individuals affected with KLF10-related conditions. ClinVar contains an entry for this variant (Variation ID: 1427603). An algorithm developed to predict the effect of missense changes on protein structure and function outputs the following: PolyPhen-2: "Benign". The serine amino acid residue is found in multiple mammalian species, which suggests that this missense change does not adversely affect protein function. In summary, the available evidence is currently insufficient to determine the role of this variant in disease. Therefore, it has been classified as a Variant of Uncertain Significance.

Ambry Genetics
Classification: Uncertain significance. Last evaluated: 2022-01-26. Review status: criteria provided, single submitter. Criteria: Ambry Variant Classification Scheme 2023. Collection method: clinical testing. Allele origin: germline.

NM_005655.4(KLF10):c.374C>G (p.Thr125Ser)

Gene: KLF10 (KLF transcription factor 10; minus strand). Cytogenetic location: 8q22.3.
Variant type: single nucleotide variant.
Coding change: c.374C>G on transcript NM_005655.4 (MANE Select); coding-DNA position 374, C replaced by G.
Protein change: p.Thr125Ser; replaces threonine 125 with serine.
Molecular consequence: missense variant.
Genome position (GRCh38, 1-based): chr8:102,651,958, G>C on the plus strand (C>G on the coding strand, the complement: KLF10 is on the minus strand). VCF-style: chr8-102651958-G-C. GRCh37 (hg19) VCF-style: chr8-103664186-G-C.
Other names: c.341C>G, p.Thr114Ser (NM_001032282.4); c.374C>G (NM_005655.2); short protein forms T125S, T114S.
Identifiers: ClinVar variation 1427603 (VCV001427603.7), dbSNP rs1303921704, ClinGen allele CA371628968.